The following is an entry in ClinVar:

ClinVar aggregate classification (germline): Pathogenic (1 of 4 stars; one submission).

Conditions:
Salla disease (SD). Also called: Less Severe FSASD (Salla Disease); Sialuria, Finnish type; N-acetylneuraminic acid (NANA) storage disease (NSD); Infantile sialic acid storage disorder (ISSD). Identifiers: Orphanet 309334, Orphanet 834, MedGen C1096903, MONDO:0011449, OMIM 604369.

Submission:

Labcorp Genetics (formerly Invitae), Labcorp
Classification: Pathogenic for Salla disease. Last evaluated: 2024-02-22. Review status: criteria provided, single submitter. Criteria: Invitae Variant Classification Sherloc (09022015). Collection method: clinical testing. Allele origin: germline.
Comment: This sequence change creates a premature translational stop signal (p.Gly234Trpfs*16) in the SLC17A5 gene. It is expected to result in an absent or disrupted protein product. Loss-of-function variants in SLC17A5 are known to be pathogenic (PMID: 10581036, 10947946, 15172001). This variant is not present in population databases (gnomAD no frequency). This variant has not been reported in the literature in individuals affected with SLC17A5-related conditions. For these reasons, this variant has been classified as Pathogenic.

Literature cited by the submitters: PubMed 10581036; PubMed 10947946; PubMed 15172001.

NM_012434.5(SLC17A5):c.699dup (p.Gly234fs)

Gene: SLC17A5 (solute carrier family 17 member 5; minus strand). Cytogenetic location: 6q13.
Variant type: Duplication.
Coding change: c.699dup on transcript NM_012434.5 (MANE Select); coding-DNA position 699, one base duplicated (T; older notation c.699dupT).
Protein change: p.Gly234fs; shifts the reading frame from glycine 234.
Molecular consequence: frameshift variant. On other transcripts: intron variant (2).
Genome position (GRCh38, 1-based): chr6:73,636,622, A duplicated on the plus strand (T on the coding strand, the reverse complement: SLC17A5 is on the minus strand); the first of 6 consecutive A bases (chr6:73,636,622-73,636,627); duplicating any one gives the same sequence. VCF-style (leftmost placement, unchanged base first): chr6-73636621-C-CA. GRCh37 (hg19) VCF-style: chr6-74346344-C-CA.
Other names: c.468dup, p.Gly157fs (NM_001382629.1); c.699dup, p.Gly234fs (NM_001382630.1, NM_001382633.1, NM_001382634.1); c.720dup, p.Gly241fs (NM_001382631.1); c.696dup, p.Gly233fs (NM_001382635.1); c.383-1122dup (NM_001382636.1); c.614-1122dup (NM_001382632.1); short protein forms G157fs, G234fs, G241fs, G233fs.
Identifiers: ClinVar variation 2751329 (VCV002751329.3), dbSNP rs779548058, ClinGen allele CA2679404567.